The following is an entry in ClinVar:

ClinVar aggregate classification (germline): Uncertain significance (1 of 4 stars; one submission).

Conditions:
Inborn genetic diseases. Identifiers: MedGen C0950123, MeSH D030342.

Submission:

Ambry Genetics
Classification: Uncertain significance for Inborn genetic diseases. Last evaluated: 2016-07-01. Review status: criteria provided, single submitter. Criteria: Ambry Variant Classification Scheme 2023. Collection method: clinical testing. Allele origin: germline.
Comment: The p.A203V variant (also known as c.608C>T), located in coding exon 3 of the EHMT1 gene, results from a C to T substitution at nucleotide position 608. The alanine at codon 203 is replaced by valine, an amino acid with similar properties. This variant was not reported in population based cohorts in the following databases: Database of Single Nucleotide Polymorphisms (dbSNP), NHLBI Exome Sequencing Project (ESP), and 1000 Genomes Project. In the ESP, this variant was not observed in 6338 samples (12676 alleles) with coverage at this position. This amino acid position is highly conserved in available vertebrate species. In addition, the in silico prediction for this alteration is inconclusive. Since supporting evidence is limited at this time, the clinical significance of this variant remains unclear.

NM_024757.5(EHMT1):c.608C>T (p.Ala203Val)

Gene: EHMT1 (euchromatic histone lysine methyltransferase 1; plus strand). Cytogenetic location: 9q34.3.
Variant type: single nucleotide variant.
Coding change: c.608C>T on transcript NM_024757.5 (MANE Select); coding-DNA position 608, C replaced by T.
Protein change: p.Ala203Val; replaces alanine 203 with valine.
Molecular consequence: missense variant.
Genome position (GRCh38, 1-based): chr9:137,717,148, C>T. VCF-style: chr9-137717148-C-T. GRCh37 (hg19) VCF-style: chr9-140611600-C-T.
Other names: c.608C>T, p.Ala203Val (NM_001145527.2, NM_001354263.2, NM_001354611.2); c.515C>T, p.Ala172Val (NM_001354259.2, NM_001354612.2); short protein forms A203V, A172V.
Identifiers: ClinVar variation 589316 (VCV000589316.5), dbSNP rs1564630797, ClinGen allele CA375766354.